The following is an entry in ClinVar:

ClinVar aggregate classification (germline): Uncertain significance. Review status: criteria provided, multiple submitters, no conflicts (2 of 4 stars). 2 submissions from 2 submitters: Uncertain significance (2). Last evaluated 2024-06-24.

Conditions:
Early-infantile DEE. Also called: Ohtahara syndrome; Early infantile epileptic encephalopathy; Early infantile epileptic encephalopathy with suppression bursts. Identifiers: Orphanet 1934, MedGen C0393706, MONDO:0800491.

Submissions (2):

Labcorp Genetics (formerly Invitae), Labcorp
Classification: Uncertain significance for Early-infantile DEE. Last evaluated: 2024-06-24. Review status: criteria provided, single submitter. Criteria: Invitae Variant Classification Sherloc (09022015). Collection method: clinical testing. Allele origin: germline.
Comment: This sequence change replaces cysteine, which is neutral and slightly polar, with arginine, which is basic and polar, at codon 1552 of the SCN1A protein (p.Cys1552Arg). This variant is not present in population databases (gnomAD no frequency). This variant has not been reported in the literature in individuals affected with SCN1A-related conditions. ClinVar contains an entry for this variant (Variation ID: 2663353). Advanced modeling of protein sequence and biophysical properties (such as structural, functional, and spatial information, amino acid conservation, physicochemical variation, residue mobility, and thermodynamic stability) performed at Invitae indicates that this missense variant is expected to disrupt SCN1A protein function with a positive predictive value of 95%. In summary, the available evidence is currently insufficient to determine the role of this variant in disease. Therefore, it has been classified as a Variant of Uncertain Significance.

GeneDx
Classification: Uncertain significance. Last evaluated: 2023-04-09. Review status: criteria provided, single submitter. Criteria: GeneDx Variant Classification Process June 2021. Collection method: clinical testing. Allele origin: germline. Affected: yes.
Comment: Not observed at significant frequency in large population cohorts (gnomAD); Missense variants in this gene are often considered pathogenic (HGMD); In silico analysis supports that this missense variant has a deleterious effect on protein structure/function; Has not been previously published as pathogenic or benign to our knowledge; This substitution is predicted to be within the transmembrane segment S1 of the fourth homologous domain.

NM_001165963.4(SCN1A):c.4654T>C (p.Cys1552Arg)

Genes: SCN1A (sodium voltage-gated channel alpha subunit 1; minus strand), LOC102724058 (uncharacterized LOC102724058; plus strand). Cytogenetic location: 2q24.3.
Variant type: single nucleotide variant.
Coding change: c.4654T>C on transcript NM_001165963.4 (MANE Select); coding-DNA position 4654, T replaced by C.
Protein change: p.Cys1552Arg; replaces cysteine 1552 with arginine.
Molecular consequence: missense variant. On other transcripts: non-coding transcript variant (1).
Genome position (GRCh38, 1-based): chr2:165,994,344, A>G on the plus strand (T>C on the coding strand, the complement: SCN1A is on the minus strand). VCF-style: chr2-165994344-A-G. GRCh37 (hg19) VCF-style: chr2-166850854-A-G.
Other names: c.4621T>C, p.Cys1541Arg (NM_006920.6, NM_001353949.2, NM_001353950.2 and 2 more transcripts); c.4618T>C, p.Cys1540Arg (NM_001353954.2, NM_001353955.2); c.4570T>C, p.Cys1524Arg (NM_001353957.2, NM_001353958.2, NM_001165964.3); c.4567T>C, p.Cys1523Arg (NM_001353960.2); c.2212T>C, p.Cys738Arg (NM_001353961.2); c.4654T>C, p.Cys1552Arg (NM_001202435.3, NM_001353948.2); short protein forms C1523R, C1524R, C1540R, C1541R, C1552R, C738R.
Identifiers: ClinVar variation 2663353 (VCV002663353.4), dbSNP rs2468360938, ClinGen allele CA349072219.